The following is an entry in ClinVar:

NM_001148.6(ANK2):c.6170C>T (p.Pro2057Leu)

Genes: ANK2 (ankyrin 2; plus strand), LOC126807136 (MED14-independent group 3 enhancer GRCh37_chr4:114274931-114276130; plus strand). Cytogenetic location: 4q26.
Variant type: single nucleotide variant.
Coding change: c.6170C>T on transcript NM_001148.6 (MANE Select); coding-DNA position 6170, C replaced by T.
Protein change: p.Pro2057Leu; replaces proline 2057 with leucine.
Molecular consequence: missense variant. On other transcripts: intron variant (68).
Genome position (GRCh38, 1-based): chr4:113,354,788, C>T. VCF-style: chr4-113354788-C-T. GRCh37 (hg19) VCF-style: chr4-114275944-C-T.
Other names: c.5936C>T, p.Pro1979Leu (NM_001386142.1); c.2570C>T, p.Pro857Leu (NM_001386166.1); c.6311C>T, p.Pro2104Leu (NM_001386174.1); c.6287C>T, p.Pro2096Leu (NM_001386175.1); c.4411+4539C>T (NM_001386186.2, NM_001386148.2); c.4213+4539C>T (NM_001354269.3); c.4291+4539C>T (NM_001386187.2); c.4252+4539C>T (NM_001386147.1); and 35 more; short protein forms P2057L, P1979L, P2096L, P2104L, P857L.
Identifiers: ClinVar variation 948688 (VCV000948688.16), dbSNP rs146531225, ClinGen allele CA3051377.

ClinVar aggregate classification (germline): Conflicting classifications of pathogenicity. Review status: criteria provided, conflicting classifications (1 of 4 stars). 6 submissions from 6 submitters: Uncertain significance (3); Likely benign (3). Last evaluated 2025-12-01.

Conditions:
Cardiac arrhythmia, ankyrin-B-related. Also called: ANKYRIN-B SYNDROME. Identifiers: Orphanet 101016, Orphanet 768, MedGen C1970119, MONDO:0010958, OMIM 600919.
Cardiovascular phenotype. Identifiers: MedGen CN230736.
Long QT syndrome (LQTS). Identifiers: MedGen C0023976, MeSH D008133, MONDO:0002442. Disease mechanism: loss of function. Inheritance: Various modes of inheritance.

Allele frequency attached by ClinVar (database versions not stated): gnomAD exomes 0.00001 and 0.00003; gnomAD 0.00005; ExAC 0.00006; ESP Exome Variant Server 0.00008; TOPMed 0.00009.
gnomAD v4.1: 19 of 1,613,836 alleles (0.0012%); highest among the groups gnomAD compares: African/African-American, 0.013%; 1 homozygote.

Submissions (6):

CeGaT Center for Human Genetics Tuebingen
Classification: Likely benign. Last evaluated: 2025-12-01. Review status: criteria provided, single submitter. Criteria: CeGaT Center For Human Genetics Tuebingen Variant Classification Criteria Version 2. Collection method: clinical testing. Allele origin: germline. Affected: yes. Observed: 1 variant allele.
Comment: ANK2: BP4, BS2

Labcorp Genetics (formerly Invitae), Labcorp
Classification: Uncertain significance for Long QT syndrome. Last evaluated: 2025-11-09. Review status: criteria provided, single submitter. Criteria: Invitae Variant Classification Sherloc (09022015). Collection method: clinical testing. Allele origin: germline.
Comment: This sequence change replaces proline, which is neutral and non-polar, with leucine, which is neutral and non-polar, at codon 2057 of the ANK2 protein (p.Pro2057Leu). This variant is present in population databases (rs146531225, gnomAD 0.01%). This missense change has been observed in individual(s) with clinical features of ANK2-related conditions (PMID: 30847666). ClinVar contains an entry for this variant (Variation ID: 948688). An algorithm developed to predict the effect of missense changes on protein structure and function outputs the following: PolyPhen-2: "Benign". The leucine amino acid residue is found in multiple mammalian species, which suggests that this missense change does not adversely affect protein function. In summary, the available evidence is currently insufficient to determine the role of this variant in disease. Therefore, it has been classified as a Variant of Uncertain Significance.

GeneDx
Classification: Uncertain significance. Last evaluated: 2024-08-07. Review status: criteria provided, single submitter. Criteria: GeneDx Variant Classification Process June 2021. Collection method: clinical testing. Allele origin: germline. Affected: yes.
Comment: Reported in a patient with arrhythmia in published literature (PMID: 30847666); In silico analysis indicates that this missense variant does not alter protein structure/function; Located in exon 38, which is reported as being expressed in a brain-specific transcript (PMID: 1830053, 18790697, 26109584); This variant is associated with the following publications: (PMID: 1830053, 18790697, 26109584, 30847666)

Blueprint Genetics
Classification: Likely benign. Last evaluated: 2024-01-18. Review status: criteria provided, single submitter. Criteria: ACMG Guidelines, 2015. Collection method: clinical testing. Allele origin: germline.

Fulgent Genetics
Classification: Uncertain significance for Cardiac arrhythmia, ankyrin-B-related. Last evaluated: 2021-08-19. Review status: criteria provided, single submitter. Criteria: ACMG Guidelines, 2015. Collection method: clinical testing. Allele origin: unknown.

Ambry Genetics
Classification: Likely benign for Cardiovascular phenotype. Last evaluated: 2020-08-25. Review status: criteria provided, single submitter. Criteria: Ambry Variant Classification Scheme 2023. Collection method: clinical testing. Allele origin: germline.

Literature cited by the submitters: PubMed 30847666 (cited by Labcorp Genetics (formerly Invitae), Labcorp).